The following is an entry in ClinVar:

ClinVar aggregate classification (germline): Pathogenic (1 of 4 stars; one submission).

Conditions:
Intellectual developmental disorder, X-linked 1. Also called: MENTAL RETARDATION, X-LINKED 18; MENTAL RETARDATION, X-LINKED 78; Atkin Flaitz Patil Smith syndrome; Intellectual disability, X-linked 1. Identifiers: Orphanet 777, MedGen C2931498, MONDO:0010656, OMIM 309530.

Submission:

Labcorp Genetics (formerly Invitae), Labcorp
Classification: Pathogenic for Intellectual developmental disorder, X-linked 1. Last evaluated: 2023-06-23. Review status: criteria provided, single submitter. Criteria: Invitae Variant Classification Sherloc (09022015). Collection method: clinical testing. Allele origin: germline.
Comment: For these reasons, this variant has been classified as Pathogenic. This variant has not been reported in the literature in individuals affected with IQSEC2-related conditions. This variant is not present in population databases (gnomAD no frequency). This sequence change creates a premature translational stop signal (p.Gly808Argfs*18) in the IQSEC2 gene. It is expected to result in an absent or disrupted protein product. Loss-of-function variants in IQSEC2 are known to be pathogenic (PMID: 21686261, 26793055, 27665735).

Literature cited by the submitters: PubMed 21686261; PubMed 26793055; PubMed 27665735.

NM_001111125.3(IQSEC2):c.2420dup (p.Gly808fs)

Gene: IQSEC2 (IQ motif and Sec7 domain ArfGEF 2; minus strand). Cytogenetic location: Xp11.22.
Variant type: Duplication.
Coding change: c.2420dup on transcript NM_001111125.3 (MANE Select); coding-DNA position 2420, one base duplicated (T; older notation c.2420dupT).
Protein change: p.Gly808fs; shifts the reading frame from glycine 808.
Molecular consequence: frameshift variant.
Genome position (GRCh38, 1-based): chrX:53,248,760, A duplicated on the plus strand (T on the coding strand, the reverse complement: IQSEC2 is on the minus strand). VCF-style (leftmost placement, unchanged base first): chrX-53248759-T-TA. GRCh37 (hg19) VCF-style: chrX-53277941-T-TA.
Other names: c.2420dup, p.Gly808fs (NM_001410736.1); c.1805dup, p.Gly603fs (NM_015075.2); short protein forms G603fs, G808fs.
Identifiers: ClinVar variation 2725477 (VCV002725477.3), dbSNP rs2519786494, ClinGen allele CA2697553115.